The following is an entry in ClinVar:

NM_000088.4(COL1A1):c.958G>T (p.Gly320Cys)

Gene: COL1A1 (collagen type I alpha 1 chain; minus strand). Cytogenetic location: 17q21.33.
Variant type: single nucleotide variant.
Coding change: c.958G>T on transcript NM_000088.4 (MANE Select); coding-DNA position 958, G replaced by T.
Protein change: p.Gly320Cys; replaces glycine 320 with cysteine.
Molecular consequence: missense variant.
Genome position (GRCh38, 1-based): chr17:50,196,199, C>A on the plus strand (G>T on the coding strand, the complement: COL1A1 is on the minus strand). VCF-style: chr17-50196199-C-A. GRCh37 (hg19) VCF-style: chr17-48273560-C-A.
Other names: short protein forms G320C.
Identifiers: ClinVar variation 1520772 (VCV001520772.6), dbSNP rs2144580035, ClinGen allele CA400221483.
Genomic context (GRCh38, chr17:50,196,199, plus strand): 5'-TACAGGCCACACTCACAGGGGGCCCGGCAGCACCAGTAGCACCATCATTTCCACGAGCAC[C>A]CTGCAGGAGAGAGGGGAAGCCCCGTTAAGTCCACTGAGCACTGGCCAGTCCCTAGAGTTC-3'
Protein context (NP_000079.2, residues 310-330): RGRPGAPGPA[Gly320Cys]ARGNDGATGA

ClinVar aggregate classification (germline): Likely pathogenic (1 of 4 stars; one submission).

Conditions:
Osteogenesis imperfecta type I (OI1). Also called: Classic Non-deforming Osteogenesis Imperfecta with Blue Sclerae; OI, TYPE I; OSTEOGENESIS IMPERFECTA TARDA; OSTEOGENESIS IMPERFECTA WITH BLUE SCLERAE; Osteogenesis imperfecta type 1; Lobstein disease. Identifiers: Orphanet 216796, Orphanet 666, MedGen C0023931, MONDO:0008146, OMIM 166200. Disease mechanism: loss of function.

Submission:

Labcorp Genetics (formerly Invitae), Labcorp
Classification: Likely pathogenic for Osteogenesis imperfecta type I. Last evaluated: 2025-07-02. Review status: criteria provided, single submitter. Criteria: Invitae Variant Classification Sherloc (09022015). Collection method: clinical testing. Allele origin: germline.
Comment: This sequence change replaces glycine, which is neutral and non-polar, with cysteine, which is neutral and slightly polar, at codon 320 of the COL1A1 protein (p.Gly320Cys). This variant is not present in population databases (gnomAD no frequency). This variant has not been reported in the literature in individuals affected with COL1A1-related conditions. ClinVar contains an entry for this variant (Variation ID: 1520772). Experimental studies and prediction algorithms are not available or were not evaluated, and the functional significance of this variant is currently unknown. This variant disrupts the triple helix domain of COL1A1. Glycine residues within the Gly-Xaa-Yaa repeats of the triple helix domain are required for the structure and stability of fibrillar collagens (PMID: 7695699, 8218237, 19344236). In COL1A1, variants affecting these glycine residues are significantly enriched in individuals with disease (PMID: 9016532, 17078022) compared to the general population (ExAC). This variant disrupts the p.Gly320 amino acid residue in COL1A1. Other variant(s) that disrupt this residue have been observed in individuals with COL1A1-related conditions (PMID: 16786509, 27509835), which suggests that this may be a clinically significant amino acid residue. In summary, the currently available evidence indicates that the variant is pathogenic, but additional data are needed to prove that conclusively. Therefore, this variant has been classified as Likely Pathogenic.

Literature cited by the submitters: PubMed 7695699; PubMed 8218237; PubMed 19344236; PubMed 9016532; PubMed 17078022; PubMed 16786509; PubMed 27509835.